The following is an entry in ClinVar:

ClinVar aggregate classification (germline): Uncertain significance (1 of 4 stars; one submission).

Allele frequency attached by ClinVar (database versions not stated): gnomAD exomes below 0.00001 and 0.00001; TOPMed 0.00001; ExAC 0.00002.
gnomAD v4.1: 3 of 1,613,322 alleles (0.00019%); highest among the groups gnomAD compares: East Asian, 0.0022%; no homozygotes.

Submission:

GeneDx
Classification: Uncertain significance. Last evaluated: 2017-06-26. Review status: criteria provided, single submitter. Criteria: GeneDx Variant Classification (06012015). Collection method: clinical testing. Allele origin: germline. Affected: yes.
Comment: The P609L variant in the AUTS2 gene has not been reported previously as a pathogenic variant, nor as a benign variant, to our knowledge. This variant is observed in the heterozygous state in 1/16,488 alleles (0.006%) from individuals of South Asian background, and in 1/66,676 alleles (0.0015%) from non-Finnish European individuals, in the ExAC dataset (Lek et al., 2016). The P609L variant is a semi-conservative amino acid substitution, which may impact secondary protein structure as these residues differ in some properties. In addition, this substitution occurs at a position that is conserved across species, and in silico analysis predicts this variant is probably damaging to the protein structure/function. However, no AUTS2 missense variants have been reported in the Human Gene Mutation Database in association with an AUTS2-related disorder (Stenson et al., 2014). Therefore, we interpret P609L as a variant of uncertain significance.

NM_015570.4(AUTS2):c.1826C>T (p.Pro609Leu)

Gene: AUTS2 (activator of transcription and developmental regulator AUTS2; plus strand). Cytogenetic location: 7q11.22.
Variant type: single nucleotide variant.
Coding change: c.1826C>T on transcript NM_015570.4 (MANE Select); coding-DNA position 1826, C replaced by T.
Protein change: p.Pro609Leu; replaces proline 609 with leucine.
Molecular consequence: missense variant.
Genome position (GRCh38, 1-based): chr7:70,771,640, C>T. VCF-style: chr7-70771640-C-T. GRCh37 (hg19) VCF-style: chr7-70236626-C-T.
Other names: c.1826C>T, p.Pro609Leu (NM_001127231.3); short protein forms P609L.
Identifiers: ClinVar variation 450014 (VCV000450014.2), dbSNP rs773419852, ClinGen allele CA4280787.